The following is an entry in ClinVar:

ClinVar aggregate classification (germline): Uncertain significance (1 of 4 stars; one submission).

Conditions:
Combined immunodeficiency due to DOCK8 deficiency (HIES2). Also called: HIES autosomal recessive; DOCK8 Deficiency; Hyper-IgE recurrent infection syndrome, autosomal recessive; HYPER-IgE SYNDROME 2, AUTOSOMAL RECESSIVE, WITH RECURRENT INFECTIONS; HYPER-IgE RECURRENT INFECTION SYNDROME 2, AUTOSOMAL RECESSIVE. Identifiers: Orphanet 217390, MedGen C4722305, MONDO:0009478, OMIM 243700.

Allele frequency attached by ClinVar (database versions not stated): gnomAD exomes below 0.00001; TOPMed below 0.00001.
gnomAD v4.1: 5 of 1,614,246 alleles (0.00031%); highest among the groups gnomAD compares: Non-Finnish European, 0.00042%; no homozygotes.

Submission:

Labcorp Genetics (formerly Invitae), Labcorp
Classification: Uncertain significance for Combined immunodeficiency due to DOCK8 deficiency. Last evaluated: 2022-08-09. Review status: criteria provided, single submitter. Criteria: Invitae Variant Classification Sherloc (09022015). Collection method: clinical testing. Allele origin: germline.
Comment: This variant has not been reported in the literature in individuals affected with DOCK8-related conditions. This variant is present in population databases (no rsID available, gnomAD 0.0009%). This sequence change replaces histidine, which is basic and polar, with arginine, which is basic and polar, at codon 155 of the DOCK8 protein (p.His155Arg). ClinVar contains an entry for this variant (Variation ID: 1495505). In summary, the available evidence is currently insufficient to determine the role of this variant in disease. Therefore, it has been classified as a Variant of Uncertain Significance. Algorithms developed to predict the effect of missense changes on protein structure and function (SIFT, PolyPhen-2, Align-GVGD) all suggest that this variant is likely to be tolerated.

NM_203447.4(DOCK8):c.464A>G (p.His155Arg)

Gene: DOCK8 (dedicator of cytokinesis 8; plus strand). Cytogenetic location: 9p24.3.
Variant type: single nucleotide variant.
Coding change: c.464A>G on transcript NM_203447.4 (MANE Select); coding-DNA position 464, A replaced by G.
Protein change: p.His155Arg; replaces histidine 155 with arginine.
Molecular consequence: missense variant.
Genome position (GRCh38, 1-based): chr9:304,640, A>G. VCF-style: chr9-304640-A-G. GRCh37 (hg19) VCF-style: chr9-304640-A-G.
Other names: c.260A>G, p.His87Arg (NM_001190458.2, NM_001193536.2); short protein forms H87R, H155R.
Identifiers: ClinVar variation 1495505 (VCV001495505.8), dbSNP rs1444461379, ClinGen allele CA372758855.